The following is an entry in ClinVar:

NM_003737.4(DCHS1):c.6866C>T (p.Ala2289Val)

Gene: DCHS1 (dachsous cadherin-related 1; minus strand). Cytogenetic location: 11p15.4.
Variant type: single nucleotide variant.
Coding change: c.6866C>T on transcript NM_003737.4 (MANE Select); coding-DNA position 6866, C replaced by T.
Protein change: p.Ala2289Val; replaces alanine 2289 with valine.
Molecular consequence: missense variant.
Genome position (GRCh38, 1-based): chr11:6,625,478, G>A on the plus strand (C>T on the coding strand, the complement: DCHS1 is on the minus strand). VCF-style: chr11-6625478-G-A. GRCh37 (hg19) VCF-style: chr11-6646709-G-A.
Other names: short protein forms A2289V.
Identifiers: ClinVar variation 2995904 (VCV002995904.3), dbSNP rs571494644, ClinGen allele CA5859740.

ClinVar aggregate classification (germline): Uncertain significance (1 of 4 stars; one submission).

Allele frequency attached by ClinVar (database versions not stated): 1000 Genomes Project 0.00020; gnomAD exomes 0.00003; 1000 Genomes Project 30x 0.00016; TOPMed 0.00002; ExAC 0.00003; gnomAD 0.00004.
gnomAD v4.1: 54 of 1,602,768 alleles (0.0034%); highest among the groups gnomAD compares: Non-Finnish European, 0.0037%; no homozygotes.

Submission:

Labcorp Genetics (formerly Invitae), Labcorp
Classification: Uncertain significance. Last evaluated: 2025-12-26. Review status: criteria provided, single submitter. Criteria: Invitae Variant Classification Sherloc (09022015). Collection method: clinical testing. Allele origin: germline.
Comment: This sequence change replaces alanine, which is neutral and non-polar, with valine, which is neutral and non-polar, at codon 2289 of the DCHS1 protein (p.Ala2289Val). This variant is present in population databases (rs571494644, gnomAD 0.01%). This missense change has been observed in individual(s) with mitral valve prolapse (PMID: 26258302). ClinVar contains an entry for this variant (Variation ID: 2995904). Invitae Evidence Modeling of protein sequence and biophysical properties (such as structural, functional, and spatial information, amino acid conservation, physicochemical variation, residue mobility, and thermodynamic stability) indicates that this missense variant is not expected to disrupt DCHS1 protein function with a negative predictive value of 80%. In summary, the available evidence is currently insufficient to determine the role of this variant in disease. Therefore, it has been classified as a Variant of Uncertain Significance.

Literature cited by the submitters: PubMed 26258302.